The following is an entry in ClinVar:

NM_024422.6(DSC2):c.2208C>T (p.Asn736=)

Gene: DSC2 (desmocollin 2; minus strand). Cytogenetic location: 18q12.1.
Variant type: single nucleotide variant.
Coding change: c.2208C>T on transcript NM_024422.6 (MANE Select); coding-DNA position 2208, C replaced by T.
Protein change: p.Asn736=; no amino-acid change (asparagine 736 retained).
Molecular consequence: synonymous variant.
Genome position (GRCh38, 1-based): chr18:31,070,768, G>A on the plus strand (C>T on the coding strand, the complement: DSC2 is on the minus strand). VCF-style: chr18-31070768-G-A. GRCh37 (hg19) VCF-style: chr18-28650734-G-A.
Other names: c.2208C>T, p.Asn736= (NM_004949.5).
Identifiers: ClinVar variation 178912 (VCV000178912.14), dbSNP rs727504534, ClinGen allele CA022634.
Genomic context (GRCh38, chr18:31,070,768, plus strand): 5'-AAAAGCCAGACTACTTACCACTTTGTCATCTCCAGGAGCTTCTGTGTTTGATACAATTAG[G>A]TTCTGCTGGGCTAAATCATCAGGAATTACTTTTGGTTGTTTAGACGTCCCAGAAGCCCCA-3'
Protein context (NP_077740.1, residues 726-746): KVIPDDLAQQ[Asn736=]LIVSNTEAPG

ClinVar aggregate classification (germline): Benign/Likely benign. Review status: criteria provided, multiple submitters, no conflicts (2 of 4 stars). 4 submissions from 4 submitters: Benign (2); Likely benign (2). Last evaluated 2025-12-29.

Conditions:
Cardiovascular phenotype. Identifiers: MedGen CN230736.
Arrhythmogenic right ventricular dysplasia 11. Also called: Arrhythmogenic right ventricular dysplasia 11 with mild palmoplantar keratoderma and woolly hair; Arrhythmogenic Right Ventricular Dysplasia/Cardiomyopathy11; ARRHYTHMOGENIC RIGHT VENTRICULAR DYSPLASIA, FAMILIAL, 11. Identifiers: MedGen C1864850, MONDO:0012506, OMIM 610476.

Allele frequency attached by ClinVar (database versions not stated): gnomAD exomes 0.00001 and 0.00002; gnomAD 0.00004 and 0.00003; ExAC 0.00002; TOPMed 0.00004.
gnomAD v4.1: 14 of 1,613,802 alleles (0.00087%); highest among the groups gnomAD compares: Middle Eastern, 0.016%; no homozygotes.

Submissions (4):

Labcorp Genetics (formerly Invitae), Labcorp
Classification: Likely benign for Arrhythmogenic right ventricular dysplasia 11. Last evaluated: 2025-12-29. Review status: criteria provided, single submitter. Criteria: Invitae Variant Classification Sherloc (09022015). Collection method: clinical testing. Allele origin: germline.

Ambry Genetics
Classification: Benign for Cardiovascular phenotype. Last evaluated: 2021-07-20. Review status: criteria provided, single submitter. Criteria: Ambry Variant Classification Scheme 2023. Collection method: clinical testing. Allele origin: germline.

GeneDx
Classification: Benign. Last evaluated: 2017-01-09. Review status: criteria provided, single submitter. Criteria: GeneDx Variant Classification (06012015). Collection method: clinical testing. Allele origin: germline. Affected: yes.
Comment: This variant is considered likely benign or benign based on one or more of the following criteria: it is a conservative change, it occurs at a poorly conserved position in the protein, it is predicted to be benign by multiple in silico algorithms, and/or has population frequency not consistent with disease.

Laboratory for Molecular Medicine, Mass General Brigham Personalized Medicine
Classification: Likely benign. Last evaluated: 2013-04-26. Review status: criteria provided, single submitter. Criteria: LMM Criteria. Collection method: clinical testing. Allele origin: germline. Observed: 1 variant allele.
Comment: Asn736Asn in exon 14 of DSC2: This variant is not expected to have clinical sign ificance because it does not alter an amino acid residue and is not located with in the splice consensus sequence. Asn736Asn in exon 14 of DSC2 (allele frequenc y = n/a)